The following is an entry in ClinVar:

NM_000057.4(BLM):c.608C>G (p.Thr203Arg)

Gene: BLM (BLM RecQ like helicase; plus strand). Cytogenetic location: 15q26.1.
Variant type: single nucleotide variant.
Coding change: c.608C>G on transcript NM_000057.4 (MANE Select); coding-DNA position 608, C replaced by G.
Protein change: p.Thr203Arg; replaces threonine 203 with arginine.
Molecular consequence: missense variant. On other transcripts: 5 prime UTR variant (1).
Genome position (GRCh38, 1-based): chr15:90,749,876, C>G. VCF-style: chr15-90749876-C-G. GRCh37 (hg19) VCF-style: chr15-91293106-C-G.
Other names: c.608C>G, p.Thr203Arg (NM_001287246.2, NM_001287247.2); c.-684C>G (NM_001287248.2); short protein forms T203R.
Identifiers: ClinVar variation 2910385 (VCV002910385.3), dbSNP rs1439626934, ClinGen allele CA393841162.

ClinVar aggregate classification (germline): Uncertain significance (1 of 4 stars; one submission).

Conditions:
Bloom syndrome (BLM). Also called: Bloom-Torre-Machacek syndrome. Identifiers: Orphanet 125, MedGen C0005859, MONDO:0008876, OMIM 210900.

Submission:

Labcorp Genetics (formerly Invitae), Labcorp
Classification: Uncertain significance for Bloom syndrome. Last evaluated: 2023-02-22. Review status: criteria provided, single submitter. Criteria: Invitae Variant Classification Sherloc (09022015). Collection method: clinical testing. Allele origin: germline.
Comment: In summary, the available evidence is currently insufficient to determine the role of this variant in disease. Therefore, it has been classified as a Variant of Uncertain Significance. An algorithm developed to predict the effect of missense changes on protein structure and function (PolyPhen-2) suggests that this variant is likely to be tolerated. This variant has not been reported in the literature in individuals affected with BLM-related conditions. This variant is not present in population databases (gnomAD no frequency). This sequence change replaces threonine, which is neutral and polar, with arginine, which is basic and polar, at codon 203 of the BLM protein (p.Thr203Arg).